The following is an entry in ClinVar:

NM_004565.3(PEX14):c.488-4G>A

Genes: PEX14 (peroxisomal biogenesis factor 14; plus strand), LOC126805616 (CDK7 strongly-dependent group 2 enhancer GRCh37_chr1:10683990-10685189; plus strand). Cytogenetic location: 1p36.22.
Variant type: single nucleotide variant.
Coding change: c.488-4G>A on transcript NM_004565.3 (MANE Select); 4 bases into the intron before coding-DNA position 488, G replaced by A.
Molecular consequence: intron variant.
Genome position (GRCh38, 1-based): chr1:10,624,336, G>A. VCF-style: chr1-10624336-G-A. GRCh37 (hg19) VCF-style: chr1-10684393-G-A.
Other names: c.488-4G>A (NM_004565.2).
Identifiers: ClinVar variation 1549712 (VCV001549712.9), dbSNP rs376837541, ClinGen allele CA583874.
Genomic context (GRCh38, chr1:10,624,336, plus strand): 5'-ACCGAGCGAGGGGAACGTCTGTGCCTGTGAATTTGCCAGCGCCGTGACTGCTTTCTCCTC[G>A]CAGTGACTCAGTTACAGACGACCCTCGCCTCCGTCCAGGAGCTGCTGATTCAGCAGCAGC-3'

ClinVar aggregate classification (germline): Likely benign. Review status: criteria provided, multiple submitters, no conflicts (2 of 4 stars). 2 submissions from 2 submitters: Likely benign (2). Last evaluated 2026-03-26.

Conditions:
PEX14-related disorder. Also called: PEX14-related condition.
Peroxisome biogenesis disorder, complementation group K (CGK). Identifiers: MedGen C1866257, MONDO:0800365.

Allele frequency attached by ClinVar (database versions not stated): gnomAD exomes 0.00010; ExAC 0.00011; ESP Exome Variant Server 0.00015.
gnomAD v4.1: 75 of 1,602,024 alleles (0.0047%); highest among the groups gnomAD compares: South Asian, 0.067%; no homozygotes.

Submissions (2):

PreventionGenetics, part of Exact Sciences
Classification: Likely benign for PEX14-related condition. Last evaluated: 2026-03-26. Review status: criteria provided, single submitter. Criteria: ACMG Guidelines, 2015. Collection method: clinical testing. Allele origin: germline.
Comment: This variant is classified as likely benign based on ACMG/AMP sequence variant interpretation guidelines (Richards et al. 2015 PMID: 25741868, with internal and published modifications).

Labcorp Genetics (formerly Invitae), Labcorp
Classification: Likely benign for Peroxisome biogenesis disorder, complementation group K. Last evaluated: 2024-01-21. Review status: criteria provided, single submitter. Criteria: Invitae Variant Classification Sherloc (09022015). Collection method: clinical testing. Allele origin: germline.